The following is an entry in ClinVar:

NM_001379286.1(ZNF423):c.1071C>T (p.Asp357=)

Gene: ZNF423 (zinc finger protein 423; minus strand). Cytogenetic location: 16q12.1.
Variant type: single nucleotide variant.
Coding change: c.1071C>T on transcript NM_001379286.1 (MANE Select); coding-DNA position 1071, C replaced by T.
Protein change: p.Asp357=; no amino-acid change (aspartic acid 357 retained).
Molecular consequence: synonymous variant.
Genome position (GRCh38, 1-based): chr16:49,638,105, G>A on the plus strand (C>T on the coding strand, the complement: ZNF423 is on the minus strand). VCF-style: chr16-49638105-G-A. GRCh37 (hg19) VCF-style: chr16-49672016-G-A.
Other names: c.867C>T, p.Asp289= (NM_001271620.2); c.696C>T, p.Asp232= (NM_001330533.2); c.1047C>T, p.Asp349= (NM_015069.5); c.1047C>T (NM_015069.4).
Identifiers: ClinVar variation 1087769 (VCV001087769.11), dbSNP rs755331543, ClinGen allele CA8046764.

ClinVar aggregate classification (germline): Likely benign. Review status: criteria provided, multiple submitters, no conflicts (2 of 4 stars). 3 submissions from 3 submitters: Likely benign (3). Last evaluated 2026-08-28.

Conditions:
ZNF423-related disorder. Also called: ZNF423-related condition.
Nephronophthisis 14 (NPHP14). Identifiers: Orphanet 2318, MedGen C3539071, MONDO:0013916, OMIM 614844.

Allele frequency attached by ClinVar (database versions not stated): ExAC 0.00001; gnomAD 0.00001; gnomAD exomes 0.00001.
gnomAD v4.1: 20 of 1,613,480 alleles (0.0012%); highest among the groups gnomAD compares: Middle Eastern, 0.033%; 1 homozygote.

Submissions (3):

PreventionGenetics, part of Exact Sciences
Classification: Likely benign for ZNF423-related condition. Last evaluated: 2026-08-28. Review status: criteria provided, single submitter. Criteria: ACMG Guidelines, 2015. Collection method: clinical testing. Allele origin: germline.
Comment: This variant is classified as likely benign based on ACMG/AMP sequence variant interpretation guidelines (Richards et al. 2015 PMID: 25741868, with internal and published modifications).

Labcorp Genetics (formerly Invitae), Labcorp
Classification: Likely benign for Nephronophthisis 14. Last evaluated: 2026-01-16. Review status: criteria provided, single submitter. Criteria: Invitae Variant Classification Sherloc (09022015). Collection method: clinical testing. Allele origin: germline.

Blueprint Genetics
Classification: Likely benign. Last evaluated: 2024-01-23. Review status: criteria provided, single submitter. Criteria: ACMG Guidelines, 2015. Collection method: clinical testing. Allele origin: germline.